The following is an entry in ClinVar:

ClinVar aggregate classification (germline): Pathogenic/Likely pathogenic. Review status: criteria provided, multiple submitters, no conflicts (2 of 4 stars). 7 submissions from 7 submitters: Pathogenic (4); Likely pathogenic (3). Last evaluated 2025-02-10.

Conditions:
Mitochondrial complex I deficiency. Also called: NADH:Q(1) OXIDOREDUCTASE DEFICIENCY. Identifiers: Orphanet 2609, MedGen C1838979, MeSH C537475, MONDO:0100133.
Mitochondrial complex I deficiency, nuclear type 9. Also called: Mitochondrial complex 1 deficiency, nuclear type 9. Identifiers: MedGen C4748767, MONDO:0032615, OMIM 618232.

Allele frequency attached by ClinVar (database versions not stated): ExAC 0.00001; gnomAD exomes 0.00001; TOPMed 0.00002.
gnomAD v4.1: 12 of 1,614,052 alleles (0.00074%); highest among the groups gnomAD compares: East Asian, 0.011%; no homozygotes.

Submissions (8):

Natera, Inc.
Classification: Pathogenic for Mitochondrial complex I deficiency. Last evaluated: 2025-02-10. Review status: criteria provided, single submitter. Criteria: Natera Variant Classification Schema (03/2026). Collection method: clinical testing. Allele origin: germline.
Comment: The c.309+5G>A variant in NDUFS6 is an intronic variant located outside the canonical splice sites. This variant is rare in the general population with a frequency below the threshold expected for the associated phenotype(s). This variant has been observed in one or more individuals affected with the associated recessive disease, as either homozygous or compound heterozygous with a second variant (PMID: 28429146, 30948790, 38459834). Additionally, this variant has been observed to segregate in affected family members (PMID: 38459834). Functional studies show that this variant may disrupt protein function (PMID: 30948790, 38459834). Computational prediction algorithms indicate this variant is likely to affect gene or protein function. Given the available evidence, this variant is classified as Pathogenic.

Baylor Genetics
Classification: Pathogenic for Mitochondrial complex I deficiency, nuclear type 9. Last evaluated: 2024-02-27. Review status: criteria provided, single submitter. Criteria: ACMG Guidelines, 2015. Collection method: clinical testing. Allele origin: unknown.

Labcorp Genetics (formerly Invitae), Labcorp
Classification: Pathogenic. Last evaluated: 2024-02-08. Review status: criteria provided, single submitter. Criteria: Invitae Variant Classification Sherloc (09022015). Collection method: clinical testing. Allele origin: germline.
Comment: This sequence change falls in intron 3 of the NDUFS6 gene. It does not directly change the encoded amino acid sequence of the NDUFS6 protein. It affects a nucleotide within the consensus splice site. This variant is present in population databases (rs763535523, gnomAD 0.006%). This variant has been observed in individual(s) with clinical features of mitochondrial complex I deficiency (PMID: 28429146, 30948790; Invitae). In at least one individual the data is consistent with being in trans (on the opposite chromosome) from a pathogenic variant. ClinVar contains an entry for this variant (Variation ID: 983268). Variants that disrupt the consensus splice site are a relatively common cause of aberrant splicing (PMID: 17576681, 9536098). Algorithms developed to predict the effect of sequence changes on RNA splicing suggest that this variant may disrupt the consensus splice site. For these reasons, this variant has been classified as Pathogenic.

Neurometabolic Diseases Laboratory, Bellvitge Biomedical Research Institute (IDIBELL)
Classification: Pathogenic for Mitochondrial complex I deficiency, nuclear type 9. Last evaluated: 2023-04-27. Review status: criteria provided, single submitter. Criteria: ACMG Guidelines, 2015. Collection method: research. Allele origin: germline. Affected: yes.

MGZ Medical Genetics Center
Classification: Likely pathogenic for Mitochondrial complex I deficiency, nuclear type 9. Last evaluated: 2021-12-17. Review status: criteria provided, single submitter. Criteria: ACMG Guidelines, 2015. Collection method: clinical testing. Allele origin: germline. Affected: yes. Observed: 3 variant alleles.
Comment: ACMG criteria applied: PP3_STR, PM3, PM2_SUP

Fulgent Genetics
Classification: Likely pathogenic for Mitochondrial complex I deficiency, nuclear type 9. Last evaluated: 2021-10-22. Review status: criteria provided, single submitter. Criteria: ACMG Guidelines, 2015. Collection method: clinical testing. Allele origin: unknown.

Institute of Human Genetics, Cologne University
Classification: Likely pathogenic for Mitochondrial complex I deficiency, nuclear type 9. Last evaluated: 2020-09-30. Review status: criteria provided, single submitter. Criteria: ACMG Guidelines, 2015. Collection method: research. Allele origin: germline. Affected: yes.

Dr. Peter K. Rogan Lab, Western University
No classification provided (evidence only). Condition: Cervical cancer. Review status: no classification provided. Collection method: in vitro. Allele origin: not applicable. Functional consequence: skipped exon, retained intron. Not counted in ClinVar's aggregate classification.

Literature cited by the submitters: PubMed 28429146 (cited by Natera, Inc. and Labcorp Genetics (formerly Invitae), Labcorp); PubMed 30948790 (cited by Natera, Inc. and Labcorp Genetics (formerly Invitae), Labcorp); PubMed 38459834 (cited by Natera, Inc.); PubMed 17576681 (cited by Labcorp Genetics (formerly Invitae), Labcorp); PubMed 9536098 (cited by Labcorp Genetics (formerly Invitae), Labcorp).

NM_004553.6(NDUFS6):c.309+5G>A

Gene: NDUFS6 (NADH:ubiquinone oxidoreductase subunit S6; plus strand). Cytogenetic location: 5p15.33.
Variant type: single nucleotide variant.
Coding change: c.309+5G>A on transcript NM_004553.6 (MANE Select); 5 bases into the intron after coding-DNA position 309, G replaced by A.
Molecular consequence: intron variant.
Genome position (GRCh38, 1-based): chr5:1,814,466, G>A. VCF-style: chr5-1814466-G-A. GRCh37 (hg19) VCF-style: chr5-1814580-G-A.
Identifiers: ClinVar variation 983268 (VCV000983268.41), dbSNP rs763535523, ClinGen allele CA3187646.